The following is an entry in ClinVar:

ClinVar aggregate classification (germline): Uncertain significance. Review status: criteria provided, multiple submitters, no conflicts (2 of 4 stars). 2 submissions from 2 submitters: Uncertain significance (2). Last evaluated 2024-10-15.

Conditions:
Autosomal recessive severe congenital neutropenia due to G6PC3 deficiency. Also called: G6PC3 Deficiency; NEUTROPENIA, SEVERE CONGENITAL, 4, AUTOSOMAL RECESSIVE. Identifiers: Orphanet 331176, MedGen C2751630, MONDO:0012930, OMIM 612541.
Inborn genetic diseases. Identifiers: MedGen C0950123, MeSH D030342.

Allele frequency attached by ClinVar (database versions not stated): ExAC 0.00002; gnomAD 0.00001; gnomAD exomes 0.00001; TOPMed 0.00002.
gnomAD v4.1: 19 of 1,612,796 alleles (0.0012%); highest among the groups gnomAD compares: Non-Finnish European, 0.0013%; no homozygotes.

Submissions (2):

Ambry Genetics
Classification: Uncertain significance for Inborn genetic diseases. Last evaluated: 2024-10-15. Review status: criteria provided, single submitter. Criteria: Ambry Variant Classification Scheme 2023. Collection method: clinical testing. Allele origin: germline.
Comment: The p.P341L variant (also known as c.1022C>T), located in coding exon 6 of the G6PC3 gene, results from a C to T substitution at nucleotide position 1022. The proline at codon 341 is replaced by leucine, an amino acid with similar properties. This amino acid position is conserved. In addition, this alteration is predicted to be tolerated by in silico analysis. Based on the available evidence, the clinical significance of this variant remains unclear.

Labcorp Genetics (formerly Invitae), Labcorp
Classification: Uncertain significance for Autosomal recessive severe congenital neutropenia due to G6PC3 deficiency. Last evaluated: 2022-02-10. Review status: criteria provided, single submitter. Criteria: Invitae Variant Classification Sherloc (09022015). Collection method: clinical testing. Allele origin: germline.
Comment: This sequence change replaces proline, which is neutral and non-polar, with leucine, which is neutral and non-polar, at codon 341 of the G6PC3 protein (p.Pro341Leu). The frequency data for this variant in the population databases is considered unreliable, as metrics indicate poor data quality at this position in the gnomAD database. This variant has not been reported in the literature in individuals affected with G6PC3-related conditions. ClinVar contains an entry for this variant (Variation ID: 1045688). Algorithms developed to predict the effect of missense changes on protein structure and function (SIFT, PolyPhen-2, Align-GVGD) all suggest that this variant is likely to be tolerated. In summary, the available evidence is currently insufficient to determine the role of this variant in disease. Therefore, it has been classified as a Variant of Uncertain Significance.

NM_138387.4(G6PC3):c.1022C>T (p.Pro341Leu)

Gene: G6PC3 (glucose-6-phosphatase catalytic subunit 3; plus strand). Cytogenetic location: 17q21.31.
Variant type: single nucleotide variant.
Coding change: c.1022C>T on transcript NM_138387.4 (MANE Select); coding-DNA position 1022, C replaced by T.
Protein change: p.Pro341Leu; replaces proline 341 with leucine.
Molecular consequence: missense variant. On other transcripts: 3 prime UTR variant (1).
Genome position (GRCh38, 1-based): chr17:44,076,024, C>T. VCF-style: chr17-44076024-C-T. GRCh37 (hg19) VCF-style: chr17-42153392-C-T.
Other names: c.1022C>T (NM_138387.3); c.*315C>T (NM_001319945.2); c.677C>T, p.Pro226Leu (NM_001384165.1, NM_001384166.1, NM_001384167.1 and 1 more transcripts); short protein forms P226L, P341L.
Identifiers: ClinVar variation 1045688 (VCV001045688.7), dbSNP rs762536153, ClinGen allele CA8596198.